The following is an entry in ClinVar:

ClinVar aggregate classification (germline): Conflicting classifications of pathogenicity. Review status: criteria provided, conflicting classifications (1 of 4 stars). 2 submissions from 2 submitters: Uncertain significance (1); Likely benign (1). Last evaluated 2025-09-05.

Conditions:
Hereditary cancer-predisposing syndrome. Also called: Neoplastic Syndromes, Hereditary; Hereditary Cancer Syndrome; Tumor predisposition; Hereditary neoplastic syndrome. Identifiers: Orphanet 140162, MedGen C0027672, MeSH D009386, MONDO:0015356.

Submissions (2):

Labcorp Genetics (formerly Invitae), Labcorp
Classification: Uncertain significance. Last evaluated: 2025-09-05. Review status: criteria provided, single submitter. Criteria: Invitae Variant Classification Sherloc (09022015). Collection method: clinical testing. Allele origin: germline.
Comment: This sequence change replaces arginine, which is basic and polar, with lysine, which is basic and polar, at codon 27 of the CTNNA1 protein (p.Arg27Lys). This variant is not present in population databases (gnomAD no frequency). This variant has not been reported in the literature in individuals affected with CTNNA1-related conditions. ClinVar contains an entry for this variant (Variation ID: 1475893). An algorithm developed to predict the effect of missense changes on protein structure and function (PolyPhen-2) suggests that this variant is likely to be tolerated. In summary, the available evidence is currently insufficient to determine the role of this variant in disease. Therefore, it has been classified as a Variant of Uncertain Significance.

Ambry Genetics
Classification: Likely benign for Hereditary cancer-predisposing syndrome. Last evaluated: 2024-10-29. Review status: criteria provided, single submitter. Criteria: Ambry Variant Classification Scheme 2023. Collection method: clinical testing. Allele origin: germline.

NM_001903.5(CTNNA1):c.80G>A (p.Arg27Lys)

Gene: CTNNA1 (catenin alpha 1; plus strand). Cytogenetic location: 5q31.2.
Variant type: single nucleotide variant.
Coding change: c.80G>A on transcript NM_001903.5 (MANE Select); coding-DNA position 80, G replaced by A.
Protein change: p.Arg27Lys; replaces arginine 27 with lysine.
Molecular consequence: missense variant. On other transcripts: 5 prime UTR variant (2).
Genome position (GRCh38, 1-based): chr5:138,782,004, G>A. VCF-style: chr5-138782004-G-A. GRCh37 (hg19) VCF-style: chr5-138117693-G-A.
Other names: c.80G>A, p.Arg27Lys (NM_001290307.3, NM_001323982.2, NM_001323983.1 and 3 more transcripts); c.-34G>A (NM_001290309.3); c.-127G>A (NM_001290310.3); short protein forms R27K.
Identifiers: ClinVar variation 1475893 (VCV001475893.11), dbSNP rs1755164133, ClinGen allele CA361477192.
Genomic context (GRCh38, chr5:138,782,004, plus strand): 5'-GCAACATAAACTTCAAGTGGGATCCTAAAAGTCTAGAGATCAGGACTCTGGCAGTTGAGA[G>A]ACTGTTGGAGCCTCTTGTTACACAGGTAAGAATCTGAAAACACAAATACATTGTAACATG-3'
Protein context (NP_001894.2, residues 17-37): SLEIRTLAVE[Arg27Lys]LLEPLVTQVT